The following is an entry in ClinVar:

ClinVar aggregate classification (germline): Conflicting classifications of pathogenicity. Review status: criteria provided, conflicting classifications (1 of 4 stars). 4 submissions from 4 submitters: Uncertain significance (2); Benign (1). 1 of the submissions does not count toward it. Last evaluated 2025-05-13.

Conditions:
RB1-related disorder. Also called: RB1-related condition.
Hereditary cancer-predisposing syndrome. Also called: Hereditary neoplastic syndrome; Tumor predisposition; Neoplastic Syndromes, Hereditary; Hereditary Cancer Syndrome. Identifiers: Orphanet 140162, MedGen C0027672, MeSH D009386, MONDO:0015356.
Retinoblastoma (RB1). Also called: RETINOBLASTOMA, SOMATIC. Identifiers: Orphanet 790, MedGen C0035335, MeSH D012175, MONDO:0008380, OMIM 180200, HP:0009919. Disease mechanism: loss of function. Inheritance: Both sporadic and heritable forms are tested..

Allele frequency attached by ClinVar (database versions not stated): gnomAD exomes below 0.00001; gnomAD 0.00001; TOPMed 0.00001.
gnomAD v4.1: 8 of 1,613,950 alleles (0.0005%); highest among the groups gnomAD compares: Non-Finnish European, 0.00068%; no homozygotes.

Submissions (4):

Labcorp Genetics (formerly Invitae), Labcorp
Classification: Benign for Retinoblastoma. Last evaluated: 2025-05-13. Review status: criteria provided, single submitter. Criteria: Invitae Variant Classification Sherloc (09022015). Collection method: clinical testing. Allele origin: germline.

Ambry Genetics
Classification: Uncertain significance for Hereditary cancer-predisposing syndrome. Last evaluated: 2024-05-04. Review status: criteria provided, single submitter. Criteria: Ambry Variant Classification Scheme 2023. Collection method: clinical testing. Allele origin: germline.
Comment: The p.N663S variant (also known as c.1988A>G), located in coding exon 20 of the RB1 gene, results from an A to G substitution at nucleotide position 1988. The asparagine at codon 663 is replaced by serine, an amino acid with highly similar properties. This amino acid position is not well conserved in available vertebrate species. In addition, this alteration is predicted to be tolerated by in silico analysis. Since supporting evidence is limited at this time, the clinical significance of this alteration remains unclear.

All of Us Research Program, National Institutes of Health
Classification: Uncertain significance for Retinoblastoma. Last evaluated: 2023-11-02. Review status: criteria provided, single submitter. Criteria: ACMG Guidelines, 2015. Collection method: clinical testing. Allele origin: germline. Inheritance: Autosomal dominant inheritance. Observed: 1 variant allele, 1 heterozygote.
Comment: This missense variant replaces asparagine with serine at codon 663 of the RB1 protein. Computational prediction suggests that this variant may not impact protein structure and function (internally defined REVEL score threshold <= 0.5, PMID: 27666373). To our knowledge, functional studies have not been reported for this variant. This variant has not been reported in individuals affected with RB1-related disorders in the literature. This variant has been identified in 1/251492 chromosomes in the general population by the Genome Aggregation Database (gnomAD). The available evidence is insufficient to determine the role of this variant in disease conclusively. Therefore, this variant is classified as a Variant of Uncertain Significance.

This study involves interpretation of variants in research participants for the purpose of population health screening. Participant phenotype was not available at the time of variant classification. Additional details can be found in publication PMID: 35346344, PMCID: PMC8962531

PreventionGenetics, part of Exact Sciences
Classification: Uncertain significance for RB1-related condition. Last evaluated: 2023-10-30. Review status: no assertion criteria provided. Collection method: clinical testing. Allele origin: germline. Not counted in ClinVar's aggregate classification.
Comment: The RB1 c.1988A>G variant is predicted to result in the amino acid substitution p.Asn663Ser. To our knowledge, this variant has not been reported in the literature. This variant is reported in 1 of ~251,000 alleles in gnomAD. It has conflicting interpretations of benign and uncertain significance in ClinVar. At this time, the clinical significance of this variant is uncertain due to the absence of conclusive functional and genetic evidence.

NM_000321.3(RB1):c.1988A>G (p.Asn663Ser)

Gene: RB1 (RB transcriptional corepressor 1; plus strand). Cytogenetic location: 13q14.2.
Variant type: single nucleotide variant.
Coding change: c.1988A>G on transcript NM_000321.3 (MANE Select); coding-DNA position 1988, A replaced by G.
Protein change: p.Asn663Ser; replaces asparagine 663 with serine.
Molecular consequence: missense variant.
Genome position (GRCh38, 1-based): chr13:48,459,715, A>G. VCF-style: chr13-48459715-A-G. GRCh37 (hg19) VCF-style: chr13-49033851-A-G.
Other names: short protein forms N663S.
Identifiers: ClinVar variation 571472 (VCV000571472.14), dbSNP rs1007286459, ClinGen allele CA249308126.